The following is an entry in ClinVar:

ClinVar aggregate classification (germline): Likely pathogenic (1 of 4 stars; one submission).

Submission:

Labcorp Genetics (formerly Invitae), Labcorp
Classification: Likely pathogenic. Last evaluated: 2022-09-01. Review status: criteria provided, single submitter. Criteria: Invitae Variant Classification Sherloc (09022015). Collection method: clinical testing. Allele origin: germline.
Comment: In summary, the currently available evidence indicates that the variant is pathogenic, but additional data are needed to prove that conclusively. Therefore, this variant has been classified as Likely Pathogenic. This variant disrupts the C-terminus of the ABCA1 protein. Other variant(s) that disrupt this region (p.Arg2200*, p.Leu2201Phefs*3) have been observed in individuals with ABCA1-related conditions (PMID: 14701824, 15384103, 26255038, 26749169). This suggests that this may be a clinically significant region of the protein. This variant has not been reported in the literature in individuals affected with ABCA1-related conditions. This variant is a gross deletion of the genomic region encompassing exon(s) 45-49 of the ABCA1 gene. While this deletion is not anticipated to lead to nonsense mediated decay, it is expected to disrupt the C-terminus of the protein.

Literature cited by the submitters: PubMed 14701824; PubMed 15384103; PubMed 26255038; PubMed 26749169.

NC_000009.11:g.(?_107547657)_(107550868_?)del

Gene: ABCA1 (ATP binding cassette subfamily A member 1; minus strand). Cytogenetic location: 9q31.1.
Variant type: Deletion.
Identifiers: ClinVar variation 2425359 (VCV002425359.4).